The following is an entry in ClinVar:

NM_006005.3(WFS1):c.1764G>A (p.Trp588Ter)

Gene: WFS1 (wolframin ER transmembrane glycoprotein; plus strand). Cytogenetic location: 4p16.1.
Variant type: single nucleotide variant.
Coding change: c.1764G>A on transcript NM_006005.3 (MANE Select); coding-DNA position 1764, G replaced by A.
Protein change: p.Trp588Ter; replaces tryptophan 588 with a stop codon.
Molecular consequence: nonsense.
Genome position (GRCh38, 1-based): chr4:6,301,559, G>A. VCF-style: chr4-6301559-G-A. GRCh37 (hg19) VCF-style: chr4-6303286-G-A.
Other names: c.1764G>A, p.Trp588Ter (NM_001145853.1); short protein forms W588*.
Identifiers: ClinVar variation 2499196 (VCV002499196.3), dbSNP rs763559442, ClinGen allele CA2839481.

ClinVar aggregate classification (germline): Conflicting classifications of pathogenicity. Review status: criteria provided, conflicting classifications (1 of 4 stars). 3 submissions from 3 submitters: Pathogenic (1); Likely pathogenic (1); Uncertain significance (1). Last evaluated 2025-05-04.

Conditions:
WFS1-related disorder. Identifiers: MedGen CN379391, MONDO:0700293.

Allele frequency attached by ClinVar (database versions not stated): TOPMed below 0.00001; gnomAD 0.00001.
gnomAD v4.1: 2 of 1,614,012 alleles (0.00012%); highest among the groups gnomAD compares: South Asian, 0.0011%; no homozygotes.

Submissions (3):

Labcorp Genetics (formerly Invitae), Labcorp
Classification: Pathogenic. Last evaluated: 2025-05-04. Review status: criteria provided, single submitter. Criteria: Invitae Variant Classification Sherloc (09022015). Collection method: clinical testing. Allele origin: germline.
Comment: This sequence change creates a premature translational stop signal (p.Trp588*) in the WFS1 gene. While this is not anticipated to result in nonsense mediated decay, it is expected to disrupt the last 303 amino acid(s) of the WFS1 protein. This variant is present in population databases (rs763559442, gnomAD 0.003%). This variant has not been reported in the literature in individuals affected with WFS1-related conditions. ClinVar contains an entry for this variant (Variation ID: 2499196). This variant disrupts a region of the WFS1 protein in which other variant(s) (p.Pro885Leu) have been determined to be pathogenic (PMID: 10521293, 16806192, 28432734). This suggests that this is a clinically significant region of the protein, and that variants that disrupt it are likely to be disease-causing. For these reasons, this variant has been classified as Pathogenic.

Blueprint Genetics
Classification: Likely pathogenic for WFS1-related disorders. Last evaluated: 2023-05-26. Review status: criteria provided, single submitter. Criteria: ACMG Guidelines, 2015. Collection method: clinical testing. Allele origin: germline. Affected: yes. Observed: 1 variant allele.

GeneDx
Classification: Uncertain significance. Last evaluated: 2022-10-11. Review status: criteria provided, single submitter. Criteria: GeneDx Variant Classification Process June 2021. Collection method: clinical testing. Allele origin: germline. Affected: yes.
Comment: Nonsense variant predicted to result in protein truncation or nonsense mediated decay in a gene for which loss of function is a known mechanism of disease; Has not been previously published as pathogenic or benign to our knowledge

Literature cited by the submitters: PubMed 10521293 (cited by Labcorp Genetics (formerly Invitae), Labcorp); PubMed 16806192 (cited by Labcorp Genetics (formerly Invitae), Labcorp); PubMed 28432734 (cited by Labcorp Genetics (formerly Invitae), Labcorp).